The following is an entry in ClinVar:

ClinVar aggregate classification (germline): Uncertain significance. Review status: criteria provided, multiple submitters, no conflicts (2 of 4 stars). 2 submissions from 2 submitters: Uncertain significance (2). Last evaluated 2026-04-28.

Conditions:
Hereditary cancer-predisposing syndrome. Also called: Hereditary Cancer Syndrome; Hereditary neoplastic syndrome; Neoplastic Syndromes, Hereditary; Tumor predisposition. Identifiers: Orphanet 140162, MedGen C0027672, MeSH D009386, MONDO:0015356.
DICER1-related tumor predisposition. Also called: DICER1-related pleuropulmonary blastoma cancer predisposition syndrome; DICER1 syndrome. Identifiers: Orphanet 284343, MedGen C3839822, MONDO:0100216.

gnomAD v4.1: 1 of 1,612,232 alleles (0.000062%); highest among the groups gnomAD compares: Non-Finnish European, 0.000085%; no homozygotes.

Submissions (2):

Ambry Genetics
Classification: Uncertain significance for Hereditary cancer-predisposing syndrome. Last evaluated: 2026-04-28. Review status: criteria provided, single submitter. Criteria: Ambry Variant Classification Scheme 2023. Collection method: clinical testing. Allele origin: germline.

Labcorp Genetics (formerly Invitae), Labcorp
Classification: Uncertain significance for DICER1-related tumor predisposition. Last evaluated: 2024-07-03. Review status: criteria provided, single submitter. Criteria: Invitae Variant Classification Sherloc (09022015). Collection method: clinical testing. Allele origin: germline.
Comment: This sequence change replaces lysine, which is basic and polar, with arginine, which is basic and polar, at codon 1412 of the DICER1 protein (p.Lys1412Arg). This variant is not present in population databases (gnomAD no frequency). This variant has not been reported in the literature in individuals affected with DICER1-related conditions. Advanced modeling of protein sequence and biophysical properties (such as structural, functional, and spatial information, amino acid conservation, physicochemical variation, residue mobility, and thermodynamic stability) performed at Invitae indicates that this missense variant is not expected to disrupt DICER1 protein function with a negative predictive value of 80%. In summary, the available evidence is currently insufficient to determine the role of this variant in disease. Therefore, it has been classified as a Variant of Uncertain Significance.

NM_177438.3(DICER1):c.4235A>G (p.Lys1412Arg)

Gene: DICER1 (dicer 1, ribonuclease III; minus strand). Cytogenetic location: 14q32.13.
Variant type: single nucleotide variant.
Coding change: c.4235A>G on transcript NM_177438.3 (MANE Select); coding-DNA position 4235, A replaced by G.
Protein change: p.Lys1412Arg; replaces lysine 1412 with arginine.
Molecular consequence: missense variant. On other transcripts: non-coding transcript variant (6).
Genome position (GRCh38, 1-based): chr14:95,096,685, T>C on the plus strand (A>G on the coding strand, the complement: DICER1 is on the minus strand). VCF-style: chr14-95096685-T-C. GRCh37 (hg19) VCF-style: chr14-95563022-T-C.
Other names: c.4235A>G, p.Lys1412Arg (NM_001195573.1, NM_001271282.3, NM_001291628.2 and 12 more transcripts); c.3953A>G, p.Lys1318Arg (NM_001395686.1); c.3830A>G, p.Lys1277Arg (NM_001395687.1, NM_001395688.1, NM_001395689.1 and 2 more transcripts); c.3668A>G, p.Lys1223Arg (NM_001395691.1); c.2552A>G, p.Lys851Arg (NM_001395697.1); short protein forms K1223R, K1412R, K1277R, K1318R, K851R.
Identifiers: ClinVar variation 3704799 (VCV003704799.2).